The following is an entry in ClinVar:

NM_024422.6(DSC2):c.254T>C (p.Ile85Thr)

Gene: DSC2 (desmocollin 2; minus strand). Cytogenetic location: 18q12.1.
Variant type: single nucleotide variant.
Coding change: c.254T>C on transcript NM_024422.6 (MANE Select); coding-DNA position 254, T replaced by C.
Protein change: p.Ile85Thr; replaces isoleucine 85 with threonine.
Molecular consequence: missense variant.
Genome position (GRCh38, 1-based): chr18:31,092,201, A>G on the plus strand (T>C on the coding strand, the complement: DSC2 is on the minus strand). VCF-style: chr18-31092201-A-G. GRCh37 (hg19) VCF-style: chr18-28672164-A-G.
Other names: c.-176T>C (NM_001406506.1, NM_001406507.1); c.254T>C, p.Ile85Thr (NM_004949.5); short protein forms I85T.
Identifiers: ClinVar variation 2121664 (VCV002121664.4), dbSNP rs2510956145, ClinGen allele CA402114779.

ClinVar aggregate classification (germline): Uncertain significance (1 of 4 stars; one submission).

Conditions:
Arrhythmogenic right ventricular dysplasia 11. Also called: Arrhythmogenic right ventricular dysplasia 11 with mild palmoplantar keratoderma and woolly hair; Arrhythmogenic Right Ventricular Dysplasia/Cardiomyopathy11; ARRHYTHMOGENIC RIGHT VENTRICULAR DYSPLASIA, FAMILIAL, 11. Identifiers: MedGen C1864850, MONDO:0012506, OMIM 610476.

Allele frequency attached by ClinVar (database versions not stated): gnomAD exomes below 0.00001.
gnomAD v4.1: 1 of 1,613,752 alleles (0.000062%); highest among the groups gnomAD compares: South Asian, 0.0011%; no homozygotes.

Submission:

Labcorp Genetics (formerly Invitae), Labcorp
Classification: Uncertain significance for Arrhythmogenic right ventricular dysplasia 11. Last evaluated: 2022-04-04. Review status: criteria provided, single submitter. Criteria: Invitae Variant Classification Sherloc (09022015). Collection method: clinical testing. Allele origin: germline.
Comment: This variant is not present in population databases (gnomAD no frequency). This sequence change replaces isoleucine, which is neutral and non-polar, with threonine, which is neutral and polar, at codon 85 of the DSC2 protein (p.Ile85Thr). This variant has not been reported in the literature in individuals affected with DSC2-related conditions. Algorithms developed to predict the effect of missense changes on protein structure and function (SIFT, PolyPhen-2, Align-GVGD) all suggest that this variant is likely to be disruptive. In summary, the available evidence is currently insufficient to determine the role of this variant in disease. Therefore, it has been classified as a Variant of Uncertain Significance.